The following is an entry in ClinVar:

ClinVar aggregate classification (germline): Pathogenic. Review status: criteria provided, single submitter (1 of 4 stars). 2 submissions from 2 submitters: Pathogenic (1). 1 of the submissions does not count toward it. Last evaluated 2025-03-25.

Conditions:
Tuberous sclerosis syndrome (TSC). Also called: Tuberous Sclerosis Complex; Tuberous sclerosis. Identifiers: Orphanet 805, MedGen C0041341, MONDO:0001734.

Submissions (2):

GeneDx
Classification: Pathogenic. Last evaluated: 2025-03-25. Review status: criteria provided, single submitter. Criteria: GeneDx Variant Classification Process June 2021. Collection method: clinical testing. Allele origin: germline. Affected: yes.
Comment: Canonical splice site variant predicted to result in a null allele in a gene for which loss of function is a known mechanism of disease; Not observed at significant frequency in large population cohorts (gnomAD); This variant is associated with the following publications: (PMID: 32917966, 24325802)

Tuberous sclerosis database (TSC2)
No classification provided. Condition: TSC. Review status: no classification provided. Criteria: Tuberous Sclerosis Database Assertion Criteria 2015. Collection method: curation. Allele origin: germline. Affected: yes. Not counted in ClinVar's aggregate classification.

NM_000548.5(TSC2):c.2546-1G>A

Gene: TSC2 (TSC complex subunit 2; plus strand). Cytogenetic location: 16p13.3.
Variant type: single nucleotide variant.
Coding change: c.2546-1G>A on transcript NM_000548.5 (MANE Select); the canonical splice acceptor site of the intron before coding-DNA position 2546, G replaced by A.
Molecular consequence: splice acceptor variant.
Genome position (GRCh38, 1-based): chr16:2,075,798, G>A. VCF-style: chr16-2075798-G-A. GRCh37 (hg19) VCF-style: chr16-2125799-G-A.
Other names: c.1202-1G>A (NM_001406693.1, NM_001406689.1, NM_001406690.1 and 6 more transcripts); c.2636-1G>A (NM_001406667.1, NM_001406668.1); c.1946-1G>A (NM_001406680.1, NM_001406683.1, NM_001406687.1 and 6 more transcripts); c.944-1G>A (NM_001406698.1); c.2546-1G>A (NM_001114382.3, NM_001406663.1, NM_001406664.1 and 6 more transcripts); c.2534-1G>A (NM_001406671.1, NM_001406673.1); c.2084-1G>A (NM_001406681.1); c.2435-1G>A (NM_001406670.1, NM_001318827.2, NM_001406678.1); and 3 more.
Identifiers: ClinVar variation 49569 (VCV000049569.4), dbSNP rs45468292, ClinGen allele CA017640.
Genomic context (GRCh38, chr16:2,075,798, plus strand): 5'-TGGCCTTCAGAGGCGCTGCACGGGACCCCGGCTCCCCTGACCACCCTCTCCATTACCGCA[G>A]CTCTGGCCAGGCTGCCGCACCTCTACAGGAACTTTGCCGCGGAGCAGTATGCCAGTGTGT-3'